The following is an entry in ClinVar:

ClinVar aggregate classification (germline): Benign. Review status: criteria provided, multiple submitters, no conflicts (2 of 4 stars). 5 submissions from 3 submitters: Benign (5). Last evaluated 2021-05-19.

Conditions:
Ectrodactyly, ectodermal dysplasia, and cleft lip-palate syndrome 3. Also called: Ectrodactyly, Ectodermal Dysplasia, Clefting Syndrome; EEC SYNDROME 3; Ectrodactyly, Ectodermal Dysplasia, Clefting Syndrome Type 3 (EEC3); Ectrodactyly, Ectodermal Dysplasia, Cleft Lip/Palate Syndrome 3 (EEC3). Identifiers: Orphanet 1896, MedGen C1858562, MONDO:0011428, OMIM 604292.
TP63-Related Spectrum Disorders.
Orofacial cleft 8. Also called: Cleft lip with or without cleft palate, nonsyndromic, 8. Identifiers: MedGen C1851878, MONDO:0029145, OMIM 618149.

Allele frequency attached by ClinVar (database versions not stated): gnomAD 0.05107 and 0.05054; gnomAD exomes 0.05702; 1000 Genomes Project 0.02995; 1000 Genomes Project 30x 0.03045; TOPMed 0.04724.
gnomAD v4.1: 10,633 of 203,992 alleles (5.2%); highest among the groups gnomAD compares: Middle Eastern, 8.2%; 363 homozygotes.

Submissions (5):

GeneDx
Classification: Benign. Last evaluated: 2021-05-19. Review status: criteria provided, single submitter. Criteria: GeneDx Variant Classification Process June 2021. Collection method: clinical testing. Allele origin: germline. Affected: yes.

Illumina Laboratory Services, Illumina
Classification: Benign for Ectrodactyly, ectodermal dysplasia, and cleft lip-palate syndrome 3. Last evaluated: 2018-01-13. Review status: criteria provided, single submitter. Criteria: ICSL Variant Classification Criteria 13 December 2019. Collection method: clinical testing. Allele origin: germline.
Comment: This variant was observed in the ICSL laboratory as part of a predisposition screen in an ostensibly healthy population. It had not been previously curated by ICSL or reported in the Human Gene Mutation Database (HGMD: prior to June 1st, 2018), and was therefore a candidate for classification through an automated scoring system. Utilizing variant allele frequency, disease prevalence and penetrance estimates, and inheritance mode, an automated score was calculated to assess if this variant is too frequent to cause the disease. Based on the score and internal cut-off values, a variant classified as benign is not then subjected to further curation. The score for this variant resulted in a classification of benign for this disease.

Illumina Laboratory Services, Illumina
Classification: Benign for Orofacial cleft 8. Last evaluated: 2018-01-13. Review status: criteria provided, single submitter. Criteria: ICSL Variant Classification Criteria 13 December 2019. Collection method: clinical testing. Allele origin: germline.
Comment: the same text as in the submission from Illumina Laboratory Services, Illumina above.

Illumina Laboratory Services, Illumina
Classification: Benign for TP63-Related Spectrum Disorders. Last evaluated: 2018-01-13. Review status: criteria provided, single submitter. Criteria: ICSL Variant Classification Criteria 13 December 2019. Collection method: clinical testing. Allele origin: germline.
Comment: the same text as in the submission from Illumina Laboratory Services, Illumina above.

Breakthrough Genomics
Classification: Benign. Review status: criteria provided, single submitter. Criteria: ACMG Guidelines, 2015. Collection method: not provided. Allele origin: germline. Inheritance: Autosomal dominant inheritance. Affected: yes.

NM_003722.5(TP63):c.*2216G>A

Gene: TP63 (tumor protein p63; plus strand). Cytogenetic location: 3q28.
Variant type: single nucleotide variant.
Coding change: c.*2216G>A on transcript NM_003722.5 (MANE Select); 2216 bases downstream of the stop codon, G replaced by A.
Molecular consequence: 3 prime UTR variant.
Genome position (GRCh38, 1-based): chr3:189,896,718, G>A. VCF-style: chr3-189896718-G-A. GRCh37 (hg19) VCF-style: chr3-189614507-G-A.
Other names: c.*2497G>A (NM_001114978.2, NM_001114981.2); c.*2216G>A (NM_001114980.2, NM_001329146.2, NM_001329148.2 and 1 more transcripts); c.*2487G>A (NM_001329144.2, NM_001329145.2, NM_001329149.2 and 1 more transcripts).
Identifiers: ClinVar variation 344428 (VCV000344428.10), dbSNP rs35861864, ClinGen allele CA10617833.